The following is an entry in ClinVar:

ClinVar aggregate classification (germline): Benign (1 of 4 stars; one submission).

Conditions:
Disorders of Intracellular Cobalamin Metabolism. Identifiers: MedGen CN043592.

Allele frequency attached by ClinVar (database versions not stated): gnomAD 0.00222 and 0.00237; TOPMed 0.00441; 1000 Genomes Project 0.00579; 1000 Genomes Project 30x 0.00625.

Submission:

Illumina Laboratory Services, Illumina
Classification: Benign for Disorders of Intracellular Cobalamin Metabolism. Last evaluated: 2018-01-12. Review status: criteria provided, single submitter. Criteria: ICSL Variant Classification Criteria 13 December 2019. Collection method: clinical testing. Allele origin: germline.
Comment: This variant was observed in the ICSL laboratory as part of a predisposition screen in an ostensibly healthy population. It had not been previously curated by ICSL or reported in the Human Gene Mutation Database (HGMD: prior to June 1st, 2018), and was therefore a candidate for classification through an automated scoring system. Utilizing variant allele frequency, disease prevalence and penetrance estimates, and inheritance mode, an automated score was calculated to assess if this variant is too frequent to cause the disease. Based on the score and internal cut-off values, a variant classified as benign is not then subjected to further curation. The score for this variant resulted in a classification of benign for this disease.

NM_000254.3(MTR):c.*1912G>T

Gene: MTR (5-methyltetrahydrofolate-homocysteine methyltransferase; plus strand). Cytogenetic location: 1q43.
Variant type: single nucleotide variant.
Coding change: c.*1912G>T on transcript NM_000254.3 (MANE Select); 1912 bases downstream of the stop codon, G replaced by T.
Molecular consequence: 3 prime UTR variant.
Genome position (GRCh38, 1-based): chr1:236,899,556, G>T. VCF-style: chr1-236899556-G-T. GRCh37 (hg19) VCF-style: chr1-237062856-G-T.
Other names: c.*1912G>T (NM_001291939.1, NM_001291940.2).
Identifiers: ClinVar variation 296624 (VCV000296624.5), dbSNP rs187377255, ClinGen allele CA10609671.
Genomic context (GRCh38, chr1:236,899,556, plus strand): 5'-CACCTTACCTGGTGATAAGTTCCAAATATGTTAAGGGCTTTAATACAAAAAGCAAAAATT[G>T]TCAGTGTTTGGATGAAAAAAGCCTTAGGGCAGGAAAGAATCTCTTGAGACATAAAGTAGT-3'